The following is an entry in ClinVar:

ClinVar aggregate classification (germline): Uncertain significance (1 of 4 stars; one submission).

Conditions:
Martsolf syndrome (MARTS). Also called: Congenital cataract with intellectual disability and hypogonadotropic hypogonadism syndrome. Identifiers: Orphanet 1387, MedGen C0796037, MONDO:0023910.
Warburg micro syndrome 2 (WARBM2). Also called: MICRO SYNDROME 2. Identifiers: Orphanet 2510, MedGen C3280214, MONDO:0013641, OMIM 614225.

Allele frequency attached by ClinVar (database versions not stated): TOPMed below 0.00001.
gnomAD v4.1: 4 of 1,613,876 alleles (0.00025%); highest among the groups gnomAD compares: Non-Finnish European, 0.00034%; no homozygotes.

Submission:

Labcorp Genetics (formerly Invitae), Labcorp
Classification: Uncertain significance for Martsolf syndrome; Warburg micro syndrome 2. Last evaluated: 2019-12-08. Review status: criteria provided, single submitter. Criteria: Invitae Variant Classification Sherloc (09022015). Collection method: clinical testing. Allele origin: germline.
Comment: Algorithms developed to predict the effect of missense changes on protein structure and function are either unavailable or do not agree on the potential impact of this missense change (SIFT: "Tolerated"; PolyPhen-2: "Possibly Damaging"; Align-GVGD: "Class C0"). This variant has not been reported in the literature in individuals with RAB3GAP2-related conditions. This variant is not present in population databases (ExAC no frequency). This sequence change replaces proline with glutamine at codon 458 of the RAB3GAP2 protein (p.Pro458Gln). The proline residue is moderately conserved and there is a moderate physicochemical difference between proline and glutamine. In summary, the available evidence is currently insufficient to determine the role of this variant in disease. Therefore, it has been classified as a Variant of Uncertain Significance.

NM_012414.4(RAB3GAP2):c.1373C>A (p.Pro458Gln)

Gene: RAB3GAP2 (RAB3 GTPase activating non-catalytic protein subunit 2; minus strand). Cytogenetic location: 1q41.
Variant type: single nucleotide variant.
Coding change: c.1373C>A on transcript NM_012414.4 (MANE Select); coding-DNA position 1373, C replaced by A.
Protein change: p.Pro458Gln; replaces proline 458 with glutamine.
Molecular consequence: missense variant.
Genome position (GRCh38, 1-based): chr1:220,191,182, G>T on the plus strand (C>A on the coding strand, the complement: RAB3GAP2 is on the minus strand). VCF-style: chr1-220191182-G-T. GRCh37 (hg19) VCF-style: chr1-220364524-G-T.
Other names: short protein forms P458Q.
Identifiers: ClinVar variation 844021 (VCV000844021.9), dbSNP rs1468198640, ClinGen allele CA344645551.